The following is an entry in ClinVar:

NM_031955.6(SPATA16):c.1210_1211dup (p.Leu405fs)

Gene: SPATA16 (spermatogenesis associated 16; minus strand). Cytogenetic location: 3q26.31.
Variant type: Duplication.
Coding change: c.1210_1211dup on transcript NM_031955.6 (MANE Select); coding-DNA positions 1210 to 1211, 2 bases duplicated (AA; older notation c.1210_1211dupAA).
Protein change: p.Leu405fs; shifts the reading frame from leucine 405.
Molecular consequence: frameshift variant.
Genome position (GRCh38, 1-based): chr3:172,925,363-172,925,364, TT duplicated on the plus strand (AA on the coding strand, the reverse complement: SPATA16 is on the minus strand). VCF-style (leftmost placement, unchanged base first): chr3-172925362-C-CTT. GRCh37 (hg19) VCF-style: chr3-172643152-C-CTT.
Other names: short protein forms L405fs.
Identifiers: ClinVar variation 4813682 (VCV004813682.1).

ClinVar aggregate classification (germline): VUS-mid (0 of 4 stars; one submission).

Conditions:
Spermatogenic failure 6 (SPGF6). Also called: ACROSOME MALFORMATION OF SPERMATOZOA; ROUND-HEADED SPERMATOZOA. Identifiers: Orphanet 171709, MedGen C4225503, MONDO:0007060, OMIM 102530.

Submission:

Universidad de Murcia, Dpto Biología Celular e Histología, Universidad de Murcia
Classification: VUS-mid for Spermatogenic failure 6. Last evaluated: 2025-12-23. Review status: no assertion criteria provided. Collection method: clinical testing. Allele origin: maternal. Inheritance: Autosomal recessive inheritance. Affected: yes. Observed: 1 variant allele, 1 heterozygote.
Comment: This sequence change, c.1210_1211dup (p.Leu405fs), results in a frameshift and a premature stop codon (p.Leu405Terfs*6), truncating the SPATA16 protein by 158 amino acids. Based on the ACMG/AMP guidelines, this variant is classified as VUS.

Literature cited by the submitters: PubMed 17847006; PubMed 27086357.